The following is an entry in ClinVar:

NM_001127178.3(PIGG):c.1045A>G (p.Arg349Gly)

Gene: PIGG (phosphatidylinositol glycan anchor biosynthesis class G (EMM blood group); plus strand). Cytogenetic location: 4p16.3.
Variant type: single nucleotide variant.
Coding change: c.1045A>G on transcript NM_001127178.3 (MANE Select); coding-DNA position 1045, A replaced by G.
Protein change: p.Arg349Gly; replaces arginine 349 with glycine.
Molecular consequence: missense variant. On other transcripts: 5 prime UTR variant (3), non-coding transcript variant (10).
Genome position (GRCh38, 1-based): chr4:516,116, A>G. VCF-style: chr4-516116-A-G. GRCh37 (hg19) VCF-style: chr4-509905-A-G.
Other names: c.778A>G, p.Arg260Gly (NM_001289051.2, NM_001289053.2, NM_001289057.2 and 2 more transcripts); c.646A>G, p.Arg216Gly (NM_001289052.2); c.679A>G, p.Arg227Gly (NM_001289055.2); c.16A>G, p.Arg6Gly (NM_001345988.2); c.1045A>G, p.Arg349Gly (NM_001345989.2, NM_017733.5); c.-581A>G (NM_001345990.2); c.-443A>G (NM_001345991.2); c.-168A>G (NM_001345994.2); short protein forms R349G, R216G, R227G, R260G, R6G.
Identifiers: ClinVar variation 476311 (VCV000476311.11), dbSNP rs746477290, ClinGen allele CA2793185.
Genomic context (GRCh38, chr4:516,116, plus strand): 5'-GACAGTGTAGGGAGCCTCCTATTCCCAGTTGTGGAAGGAAGACCAATGAGAGAGCAGTTG[A>G]GATTTTTACATTTGAATACAGTGCAGCTTAGTAAACTGTTGCAAGAGAATGTGCCGTCAT-3'
Protein context (NP_001120650.1, residues 339-359): VEGRPMREQL[Arg349Gly]FLHLNTVQLS

ClinVar aggregate classification (germline): Uncertain significance (1 of 4 stars; one submission).

Conditions:
Intellectual disability, autosomal recessive 53 (NEDHSCA). Also called: GLYCOSYLPHOSPHATIDYLINOSITOL BIOSYNTHESIS DEFECT 13; Mental retardation, autosomal recessive 53; NEURODEVELOPMENTAL DISORDER WITH OR WITHOUT HYPOTONIA, SEIZURES, AND CEREBELLAR ATROPHY. Identifiers: Orphanet 488635, MedGen C4310794, MONDO:0014832, OMIM 616917.

Allele frequency attached by ClinVar (database versions not stated): gnomAD exomes below 0.00001 and 0.00001; ExAC 0.00001.
gnomAD v4.1: 2 of 1,614,062 alleles (0.00012%); highest among the groups gnomAD compares: East Asian, 0.0022%; no homozygotes.

Submission:

Labcorp Genetics (formerly Invitae), Labcorp
Classification: Uncertain significance for Intellectual disability, autosomal recessive 53. Last evaluated: 2024-04-22. Review status: criteria provided, single submitter. Criteria: Invitae Variant Classification Sherloc (09022015). Collection method: clinical testing. Allele origin: germline.
Comment: This sequence change replaces arginine, which is basic and polar, with glycine, which is neutral and non-polar, at codon 349 of the PIGG protein (p.Arg349Gly). This variant is present in population databases (rs746477290, gnomAD 0.006%). This variant has not been reported in the literature in individuals affected with PIGG-related conditions. ClinVar contains an entry for this variant (Variation ID: 476311). Advanced modeling of protein sequence and biophysical properties (such as structural, functional, and spatial information, amino acid conservation, physicochemical variation, residue mobility, and thermodynamic stability) performed at Invitae indicates that this missense variant is expected to disrupt PIGG protein function with a positive predictive value of 80%. In summary, the available evidence is currently insufficient to determine the role of this variant in disease. Therefore, it has been classified as a Variant of Uncertain Significance.